The following is an entry in ClinVar:

NM_001184.4(ATR):c.6431A>G (p.Gln2144Arg)

Gene: ATR (ATR checkpoint kinase; minus strand). Cytogenetic location: 3q23.
Variant type: single nucleotide variant.
Coding change: c.6431A>G on transcript NM_001184.4 (MANE Select); coding-DNA position 6431, A replaced by G.
Protein change: p.Gln2144Arg; replaces glutamine 2144 with arginine.
Molecular consequence: missense variant.
Genome position (GRCh38, 1-based): chr3:142,469,458, T>C on the plus strand (A>G on the coding strand, the complement: ATR is on the minus strand). VCF-style: chr3-142469458-T-C. GRCh37 (hg19) VCF-style: chr3-142188300-T-C.
Other names: c.6239A>G, p.Gln2080Arg (NM_001354579.2); short protein forms Q2144R, Q2080R.
Identifiers: ClinVar variation 30165 (VCV000030165.7), dbSNP rs387906797, ClinGen allele CA215139.

ClinVar aggregate classification (germline): Uncertain significance. Review status: criteria provided, single submitter (1 of 4 stars). 2 submissions from 2 submitters: Uncertain significance (1). 1 of the submissions does not count toward it. Last evaluated 2025-07-02.

Conditions:
Familial cutaneous telangiectasia and oropharyngeal predisposition cancer syndrome. Identifiers: Orphanet 313846, MedGen C3281203, MONDO:0013806, OMIM 614564.

Submissions (2):

Labcorp Genetics (formerly Invitae), Labcorp
Classification: Uncertain significance. Last evaluated: 2025-07-02. Review status: criteria provided, single submitter. Criteria: Invitae Variant Classification Sherloc (09022015). Collection method: clinical testing. Allele origin: germline.
Comment: This sequence change replaces glutamine, which is neutral and polar, with arginine, which is basic and polar, at codon 2144 of the ATR protein (p.Gln2144Arg). This variant is not present in population databases (gnomAD no frequency). This missense change has been observed in individual(s) with autosomal dominant oropharyngeal cancer syndrome (PMID: 22341969). ClinVar contains an entry for this variant (Variation ID: 30165). An algorithm developed to predict the effect of missense changes on protein structure and function (PolyPhen-2) suggests that this variant is likely to be disruptive. In summary, the available evidence is currently insufficient to determine the role of this variant in disease. Therefore, it has been classified as a Variant of Uncertain Significance.

OMIM
Classification: Pathogenic for CUTANEOUS TELANGIECTASIA AND CANCER SYNDROME, FAMILIAL (1 family). Last evaluated: 2012-03-09. Review status: no assertion criteria provided. Collection method: literature only. Allele origin: germline. Not counted in ClinVar's aggregate classification.

Literature cited by the submitters: PubMed 22341969 (cited by Labcorp Genetics (formerly Invitae), Labcorp and OMIM).